The following is an entry in ClinVar:

ClinVar aggregate classification (germline): Pathogenic (1 of 4 stars; one submission).

Submission:

Labcorp Genetics (formerly Invitae), Labcorp
Classification: Pathogenic. Last evaluated: 2022-06-17. Review status: criteria provided, single submitter. Criteria: Invitae Variant Classification Sherloc (09022015). Collection method: clinical testing. Allele origin: germline.
Comment: This sequence change creates a premature translational stop signal (p.Lys227Asnfs*7) in the SCLT1 gene. It is expected to result in an absent or disrupted protein product. Loss-of-function variants in SCLT1 are known to be pathogenic (PMID: 28005958). For these reasons, this variant has been classified as Pathogenic. This variant has not been reported in the literature in individuals affected with SCLT1-related conditions. This variant is not present in population databases (gnomAD no frequency).

Literature cited by the submitters: PubMed 28005958.

NM_144643.4(SCLT1):c.681del (p.Lys227fs)

Gene: SCLT1 (sodium channel and clathrin linker 1; minus strand). Cytogenetic location: 4q28.2.
Variant type: Deletion.
Coding change: c.681del on transcript NM_144643.4 (MANE Select); coding-DNA position 681, one base deleted (A; older notation c.681delA).
Protein change: p.Lys227fs; shifts the reading frame from lysine 227.
Molecular consequence: frameshift variant.
Genome position (GRCh38, 1-based): chr4:128,992,172, T deleted on the plus strand (A on the coding strand, the reverse complement: SCLT1 is on the minus strand); the first of 7 consecutive T bases (chr4:128,992,172-128,992,178); deleting any one gives the same sequence. VCF-style (leftmost placement, unchanged base first): chr4-128992171-GT-G. GRCh37 (hg19) VCF-style: chr4-129913326-GT-G.
Other names: c.675delA, p.Lys227Asnfs (NM_001410807.1); short protein forms K227fs.
Identifiers: ClinVar variation 2007684 (VCV002007684.4), dbSNP rs1193560701, ClinGen allele CA441229351.
Genomic context (GRCh38, chr4:128,992,171, plus strand): 5'-CTCCCCTGAAGAAAAATAATTAACAATGAAATAATGAAACTCATTTTTGAAAATACCTAA[GT>G]TTTTTTCGGAGTTGTTCGATTATCACACTTTGTTCAGTTACTGTTTTCAGAAACTGTTGG-3'